The following is an entry in ClinVar:

NM_020717.5(SHROOM4):c.4281C>T (p.His1427=)

Gene: SHROOM4 (shroom family member 4; minus strand). Cytogenetic location: Xp11.22.
Variant type: single nucleotide variant.
Coding change: c.4281C>T on transcript NM_020717.5 (MANE Select); coding-DNA position 4281, C replaced by T.
Protein change: p.His1427=; no amino-acid change (histidine 1427 retained).
Molecular consequence: synonymous variant. On other transcripts: non-coding transcript variant (4).
Genome position (GRCh38, 1-based): chrX:50,596,896, G>A on the plus strand (C>T on the coding strand, the complement: SHROOM4 is on the minus strand). VCF-style: chrX-50596896-G-A. GRCh37 (hg19) VCF-style: chrX-50339896-G-A.
Identifiers: ClinVar variation 1695299 (VCV001695299.31), dbSNP rs368241036, ClinGen allele CA10415848.

ClinVar aggregate classification (germline): Likely benign (1 of 4 stars; one submission).

Allele frequency attached by ClinVar (database versions not stated): ExAC 0.00019; ESP Exome Variant Server 0.00019; gnomAD exomes 0.00021 and 0.00089; gnomAD 0.00029 and 0.00030; TOPMed 0.00032.
gnomAD v4.1: 996 of 1,209,976 alleles (0.082%); highest among the groups gnomAD compares: Non-Finnish European, 0.11%; 2 homozygotes.

Submission:

CeGaT Center for Human Genetics Tuebingen
Classification: Likely benign. Last evaluated: 2022-10-01. Review status: criteria provided, single submitter. Criteria: CeGaT Center For Human Genetics Tuebingen Variant Classification Criteria Version 2. Collection method: clinical testing. Allele origin: germline. Affected: yes. Observed: 2 variant alleles.
Comment: SHROOM4: BP4, BP7